The following is an entry in ClinVar:

ClinVar aggregate classification (germline): Uncertain significance (1 of 4 stars; one submission).

Conditions:
H syndrome. Also called: HISTIOCYTOSIS AND LYMPHADENOPATHY WITH OR WITHOUT CUTANEOUS, CARDIAC, AND/OR ENDOCRINE FEATURES, JOINT CONTRACTURES, AND/OR DEAFNESS; HYPERPIGMENTATION, CUTANEOUS, WITH HYPERTRICHOSIS, HEPATOSPLENOMEGALY, HEART ANOMALIES, AND HYPOGONADISM WITH OR WITHOUT HEARING LOSS; PIGMENTED HYPERTRICHOSIS WITH INSULIN-DEPENDENT DIABETES MELLITUS; ROSAI-DORFMAN DISEASE, FAMILIAL; SINUS HISTIOCYTOSIS AND MASSIVE LYMPHADENOPATHY; Hyperpigmentation, Cutaneous, with Hypertrichosis, Hepatosplenomegaly, Heart Anomalies, Hearing Loss, and Hypogonadism. Identifiers: Orphanet 168569, MedGen C1864445, MONDO:0011273, OMIM 602782.

Allele frequency attached by ClinVar (database versions not stated): TOPMed below 0.00001; gnomAD 0.00001.

Submission:

Labcorp Genetics (formerly Invitae), Labcorp
Classification: Uncertain significance for H syndrome. Last evaluated: 2021-08-28. Review status: criteria provided, single submitter. Criteria: Invitae Variant Classification Sherloc (09022015). Collection method: clinical testing. Allele origin: germline.
Comment: This sequence change replaces glycine with glutamic acid at codon 246 of the SLC29A3 protein (p.Gly246Glu). The glycine residue is moderately conserved and there is a moderate physicochemical difference between glycine and glutamic acid. This variant is not present in population databases (ExAC no frequency). This variant has not been reported in the literature in individuals affected with SLC29A3-related conditions. Algorithms developed to predict the effect of missense changes on protein structure and function are either unavailable or do not agree on the potential impact of this missense change (SIFT: "Tolerated"; PolyPhen-2: "Possibly Damaging"; Align-GVGD: "Class C0"). In summary, the available evidence is currently insufficient to determine the role of this variant in disease. Therefore, it has been classified as a Variant of Uncertain Significance.

NM_018344.6(SLC29A3):c.737G>A (p.Gly246Glu)

Gene: SLC29A3 (solute carrier family 29 member 3; plus strand). Cytogenetic location: 10q22.1.
Variant type: single nucleotide variant.
Coding change: c.737G>A on transcript NM_018344.6 (MANE Select); coding-DNA position 737, G replaced by A.
Protein change: p.Gly246Glu; replaces glycine 246 with glutamic acid.
Molecular consequence: missense variant. On other transcripts: non-coding transcript variant (2).
Genome position (GRCh38, 1-based): chr10:71,356,207, G>A. VCF-style: chr10-71356207-G-A. GRCh37 (hg19) VCF-style: chr10-73115964-G-A.
Other names: c.737G>A, p.Gly246Glu (NM_001174098.2); c.503G>A, p.Gly168Glu (NM_001363518.2); short protein forms G246E, G168E.
Identifiers: ClinVar variation 1037691 (VCV001037691.6), dbSNP rs1767630986, ClinGen allele CA377111595.
Genomic context (GRCh38, chr10:71,356,207, plus strand): 5'-TGAGGAACAGCGCCCTGGCCTTCTTCCTGACGGCCACTGTCTTCCTCGTGCTCTGCATGG[G>A]ACTCTACCTGCTGCTGTCCAGGCTGGAGTATGCCAGGTGAAGGTGCCACTCACTGTCCAT-3'
Protein context (NP_060814.4, residues 236-256): TATVFLVLCM[Gly246Glu]LYLLLSRLEY